The following is an entry in ClinVar:

ClinVar aggregate classification (germline): Pathogenic. Review status: criteria provided, multiple submitters, no conflicts (2 of 4 stars). 2 submissions from 2 submitters: Pathogenic (2). Last evaluated 2023-07-16.

Conditions:
Immunodeficiency, common variable, 2 (CVID2). Also called: HYPOGAMMAGLOBULINEMIA DUE TO TACI DEFICIENCY; ANTIBODY DEFICIENCY DUE TO TACI DEFECT. Identifiers: Orphanet 1572, MedGen C3150354, MONDO:0009413, OMIM 240500.

Allele frequency attached by ClinVar (database versions not stated): gnomAD exomes 0.00001; TOPMed 0.00001.
gnomAD v4.1: 5 of 1,614,112 alleles (0.00031%); highest among the groups gnomAD compares: Admixed American, 0.0017%; no homozygotes.

Submissions (2):

Labcorp Genetics (formerly Invitae), Labcorp
Classification: Pathogenic for Immunodeficiency, common variable, 2. Last evaluated: 2023-07-16. Review status: criteria provided, single submitter. Criteria: Invitae Variant Classification Sherloc (09022015). Collection method: clinical testing. Allele origin: germline.
Comment: For these reasons, this variant has been classified as Pathogenic. ClinVar contains an entry for this variant (Variation ID: 1071649). This variant has not been reported in the literature in individuals affected with TNFRSF13B-related conditions. The frequency data for this variant in the population databases is considered unreliable, as metrics indicate poor data quality at this position in the gnomAD database. This sequence change creates a premature translational stop signal (p.Cys184*) in the TNFRSF13B gene. It is expected to result in an absent or disrupted protein product. Loss-of-function variants in TNFRSF13B are known to be pathogenic (PMID: 16007087, 27123465).

Revvity Omics, Revvity
Classification: Pathogenic. Last evaluated: 2019-07-10. Review status: criteria provided, single submitter. Criteria: ACMG Guidelines, 2015. Collection method: clinical testing. Allele origin: germline.

Literature cited by the submitters: PubMed 16007087 (cited by Labcorp Genetics (formerly Invitae), Labcorp); PubMed 27123465 (cited by Labcorp Genetics (formerly Invitae), Labcorp).

NM_012452.3(TNFRSF13B):c.552C>A (p.Cys184Ter)

Gene: TNFRSF13B (TNF receptor superfamily member 13B; minus strand). Cytogenetic location: 17p11.2.
Variant type: single nucleotide variant.
Coding change: c.552C>A on transcript NM_012452.3 (MANE Select); coding-DNA position 552, C replaced by A.
Protein change: p.Cys184Ter; replaces cysteine 184 with a stop codon.
Molecular consequence: nonsense.
Genome position (GRCh38, 1-based): chr17:16,940,405, G>T on the plus strand (C>A on the coding strand, the complement: TNFRSF13B is on the minus strand). VCF-style: chr17-16940405-G-T. GRCh37 (hg19) VCF-style: chr17-16843719-G-T.
Other names: short protein forms C184*.
Identifiers: ClinVar variation 1071649 (VCV001071649.9), dbSNP rs1286642936, ClinGen allele CA398519515.